The following is an entry in ClinVar:

ClinVar aggregate classification (germline): Uncertain significance. Review status: criteria provided, multiple submitters, no conflicts (2 of 4 stars). 2 submissions from 2 submitters: Uncertain significance (2). Last evaluated 2025-12-01.

Conditions:
Familial focal epilepsy with variable foci (FPEVF). Identifiers: Orphanet 98820, MedGen C1858477, MONDO:0020310.

Allele frequency attached by ClinVar (database versions not stated): gnomAD exomes 0.00001; TOPMed 0.00002.
gnomAD v4.1: 13 of 1,614,140 alleles (0.00081%); highest among the groups gnomAD compares: Non-Finnish European, 0.0011%; no homozygotes.

Submissions (2):

CeGaT Center for Human Genetics Tuebingen
Classification: Uncertain significance. Last evaluated: 2025-12-01. Review status: criteria provided, single submitter. Criteria: CeGaT Center For Human Genetics Tuebingen Variant Classification Criteria Version 2. Collection method: clinical testing. Allele origin: germline. Affected: yes. Observed: 2 variant alleles.
Comment: DEPDC5: PM2, BP4

Labcorp Genetics (formerly Invitae), Labcorp
Classification: Uncertain significance for Familial focal epilepsy with variable foci. Last evaluated: 2024-05-31. Review status: criteria provided, single submitter. Criteria: Invitae Variant Classification Sherloc (09022015). Collection method: clinical testing. Allele origin: germline.
Comment: This sequence change replaces valine, which is neutral and non-polar, with leucine, which is neutral and non-polar, at codon 1033 of the DEPDC5 protein (p.Val1033Leu). This variant is present in population databases (no rsID available, gnomAD 0.003%). This missense change has been observed in individual(s) with clinical features of DEPDC5-related conditions (Invitae). ClinVar contains an entry for this variant (Variation ID: 1007661). Experimental studies and prediction algorithms are not available or were not evaluated, and the functional significance of this variant is currently unknown. In summary, the available evidence is currently insufficient to determine the role of this variant in disease. Therefore, it has been classified as a Variant of Uncertain Significance.

NM_001242896.3(DEPDC5):c.3097G>T (p.Val1033Leu)

Gene: DEPDC5 (DEP domain containing 5, GATOR1 subcomplex subunit; plus strand). Cytogenetic location: 22q12.3.
Variant type: single nucleotide variant.
Coding change: c.3097G>T on transcript NM_001242896.3 (MANE Select); coding-DNA position 3097, G replaced by T.
Protein change: p.Val1033Leu; replaces valine 1033 with leucine.
Molecular consequence: missense variant. On other transcripts: non-coding transcript variant (5).
Genome position (GRCh38, 1-based): chr22:31,846,909, G>T. VCF-style: chr22-31846909-G-T. GRCh37 (hg19) VCF-style: chr22-32242895-G-T.
Other names: c.3070G>T, p.Val1024Leu (NM_001136029.4, NM_001369903.1, NM_014662.6); c.2863G>T, p.Val955Leu (NM_001242897.2, NM_001363854.2, NM_001364319.2); c.3097G>T, p.Val1033Leu (NM_001363852.2, NM_001364318.2, NM_001364320.2); c.3013G>T, p.Val1005Leu (NM_001369901.1, NM_001369902.1); short protein forms V1005L, V1024L, V1033L, V955L.
Identifiers: ClinVar variation 1007661 (VCV001007661.31), dbSNP rs376313159, ClinGen allele CA411292194.